The following is an entry in ClinVar:

ClinVar aggregate classification (germline): Likely pathogenic (1 of 4 stars; one submission).

Submission:

Labcorp Genetics (formerly Invitae), Labcorp
Classification: Likely pathogenic. Last evaluated: 2024-06-24. Review status: criteria provided, single submitter. Criteria: Invitae Variant Classification Sherloc (09022015). Collection method: clinical testing. Allele origin: germline.
Comment: This variant results in the deletion of part of exon 20 (c.2808_2808+2delinsTGGG) of the LAMA1 gene. It is expected to disrupt RNA splicing. Variants that disrupt the donor or acceptor splice site typically lead to a loss of protein function (PMID: 16199547), and loss-of-function variants in LAMA1 are known to be pathogenic (PMID: 25105227, 26932191). This variant is not present in population databases (gnomAD no frequency). This variant has not been reported in the literature in individuals affected with LAMA1-related conditions. ClinVar contains an entry for this variant (Variation ID: 2095667). In summary, the currently available evidence indicates that the variant is pathogenic, but additional data are needed to prove that conclusively. Therefore, this variant has been classified as Likely Pathogenic.

Literature cited by the submitters: PubMed 16199547; PubMed 25105227; PubMed 26932191.

NM_005559.4(LAMA1):c.2807dup (p.Leu936fs)

Gene: LAMA1 (laminin subunit alpha 1; minus strand). Cytogenetic location: 18p11.31.
Variant type: Duplication.
Coding change: c.2807dup on transcript NM_005559.4 (MANE Select); coding-DNA position 2807, one base duplicated (T; older notation c.2807dupT).
Protein change: p.Leu936fs; shifts the reading frame from leucine 936.
Molecular consequence: frameshift variant.
Genome position (GRCh38, 1-based): chr18:7,017,279, A duplicated on the plus strand (T on the coding strand, the reverse complement: LAMA1 is on the minus strand); the first of 2 consecutive A bases (chr18:7,017,279-7,017,280); duplicating either gives the same sequence. VCF-style (leftmost placement, unchanged base first): chr18-7017278-C-CA. GRCh37 (hg19) VCF-style: chr18-7017277-C-CA.
Other names: short protein forms L936fs.
Identifiers: ClinVar variation 2095667 (VCV002095667.4), dbSNP rs2510074434, ClinGen allele CA2580095902.